The following is an entry in ClinVar:

NM_138395.4(MARS2):c.1151G>A (p.Cys384Tyr)

Gene: MARS2 (methionyl-tRNA synthetase 2, mitochondrial; plus strand). Cytogenetic location: 2q33.1.
Variant type: single nucleotide variant.
Coding change: c.1151G>A on transcript NM_138395.4 (MANE Select); coding-DNA position 1151, G replaced by A.
Protein change: p.Cys384Tyr; replaces cysteine 384 with tyrosine.
Molecular consequence: missense variant.
Genome position (GRCh38, 1-based): chr2:197,706,556, G>A. VCF-style: chr2-197706556-G-A. GRCh37 (hg19) VCF-style: chr2-198571280-G-A.
Other names: short protein forms C384Y.
Identifiers: ClinVar variation 1316130 (VCV001316130.2), dbSNP rs2106293117, ClinGen allele CA350213960.

ClinVar aggregate classification (germline): Uncertain significance (1 of 4 stars; one submission).

Submission:

GeneDx
Classification: Uncertain significance. Last evaluated: 2019-08-06. Review status: criteria provided, single submitter. Criteria: GeneDx Variant Classification Process June 2021. Collection method: clinical testing. Allele origin: germline. Affected: yes.
Comment: Not observed in large population cohorts (Lek et al., 2016); In silico analysis, which includes protein predictors and evolutionary conservation, supports a deleterious effect; Has not been previously published as pathogenic or benign to our knowledge